The following is an entry in ClinVar:

ClinVar aggregate classification (germline): Uncertain significance (1 of 4 stars; one submission).

Submission:

GeneDx
Classification: Uncertain significance. Last evaluated: 2020-05-01. Review status: criteria provided, single submitter. Criteria: GeneDx Variant Classification Process June 2021. Collection method: clinical testing. Allele origin: germline. Affected: yes.
Comment: Not observed in large population cohorts (Lek et al., 2016); In silico analysis, which includes protein predictors and evolutionary conservation, supports that this variant does not alter protein structure/function; Has not been previously published as pathogenic or benign to our knowledge

NM_000334.4(SCN4A):c.5177A>G (p.His1726Arg)

Genes: GH-LCR (growth hormone locus control region; plus strand), SCN4A (sodium voltage-gated channel alpha subunit 4; minus strand). Cytogenetic location: 17q23.3.
Variant type: single nucleotide variant.
Coding change: c.5177A>G on transcript NM_000334.4 (MANE Select); coding-DNA position 5177, A replaced by G.
Protein change: p.His1726Arg; replaces histidine 1726 with arginine.
Molecular consequence: missense variant.
Genome position (GRCh38, 1-based): chr17:63,941,105, T>C on the plus strand (A>G on the coding strand, the complement: SCN4A is on the minus strand). VCF-style: chr17-63941105-T-C. GRCh37 (hg19) VCF-style: chr17-62018465-T-C.
Other names: short protein forms H1726R.
Identifiers: ClinVar variation 1191480 (VCV001191480.2), dbSNP rs1908512330, ClinGen allele CA400613597.